The following is an entry in ClinVar:

NM_001267550.2(TTN):c.81911T>C (p.Ile27304Thr)

Genes: TTN (titin; minus strand), TTN-AS1 (TTN antisense RNA 1; plus strand). Cytogenetic location: 2q31.2.
Variant type: single nucleotide variant.
Coding change: c.81911T>C on transcript NM_001267550.2 (MANE Select); coding-DNA position 81911, T replaced by C.
Protein change: p.Ile27304Thr; replaces isoleucine 27304 with threonine.
Molecular consequence: missense variant.
Genome position (GRCh38, 1-based): chr2:178,564,221, A>G on the plus strand (T>C on the coding strand, the complement: TTN is on the minus strand). VCF-style: chr2-178564221-A-G. GRCh37 (hg19) VCF-style: chr2-179428948-A-G.
Other names: c.76988T>C, p.Ile25663Thr (NM_001256850.1); c.54716T>C, p.Ile18239Thr (NM_003319.4); c.74207T>C, p.Ile24736Thr (NM_133378.4); c.55091T>C, p.Ile18364Thr (NM_133432.3); c.55292T>C, p.Ile18431Thr (NM_133437.4); short protein forms I18239T, I18364T, I18431T, I24736T, I25663T, I27304T.
Identifiers: ClinVar variation 1284502 (VCV001284502.5), dbSNP rs753976208, ClinGen allele CA1989136.
Genomic context (GRCh38, chr2:178,564,221, plus strand): 5'-TCCATTCTAGCAGCTGTTTCTTCAAGTTCTTTTCCATCTTTTGACCAAACAACATCAGGT[A>G]TAGGTTTGCCACGGATGTCGGCTTCAAGAACAAAAGTCTCTCCTGCATGAACAACGATGA-3'
Protein context (NP_001254479.2, residues 27294-27314): VLEADIRGKP[Ile27304Thr]PDVVWSKDGK

ClinVar aggregate classification (germline): Uncertain significance. Review status: criteria provided, single submitter (1 of 4 stars). 3 submissions from 3 submitters: Uncertain significance (1). 2 of the submissions do not count toward it. Last evaluated 2020-04-16.

Conditions:
Cardiovascular phenotype. Identifiers: MedGen CN230736.

Allele frequency attached by ClinVar (database versions not stated): gnomAD 0.00002; gnomAD exomes 0.00002 and 0.00003; ExAC 0.00004; TOPMed 0.00004.
gnomAD v4.1: 36 of 1,613,386 alleles (0.0022%); highest among the groups gnomAD compares: Non-Finnish European, 0.003%; no homozygotes.

Submissions (3):

Ambry Genetics
Classification: Uncertain significance for Cardiovascular phenotype. Last evaluated: 2020-04-16. Review status: criteria provided, single submitter. Criteria: Ambry Variant Classification Scheme 2023. Collection method: clinical testing. Allele origin: germline.
Comment: The p.I18239T variant (also known as c.54716T>C), located in coding exon 153 of the TTN gene, results from a T to C substitution at nucleotide position 54716. The isoleucine at codon 18239 is replaced by threonine, an amino acid with similar properties. This amino acid position is not well conserved in available vertebrate species, and threonine is the reference amino acid in other vertebrate species. In addition, this alteration is predicted to be tolerated by in silico analysis. Since supporting evidence is limited at this time, the clinical significance of this alteration remains unclear.

Clinical Genetics DNA and cytogenetics Diagnostics Lab, Erasmus MC, Erasmus Medical Center
Classification: Uncertain significance. Review status: no assertion criteria provided. Collection method: clinical testing. Allele origin: germline. Affected: yes. Study: VKGL Data-share Consensus. Not counted in ClinVar's aggregate classification.

Clinical Genetics, Academic Medical Center
Classification: Uncertain significance. Review status: no assertion criteria provided. Collection method: clinical testing. Allele origin: germline. Affected: yes. Study: VKGL Data-share Consensus. Not counted in ClinVar's aggregate classification.